The following is an entry in ClinVar:

NM_014908.4(DOLK):c.364G>C (p.Ala122Pro)

Gene: DOLK (dolichol kinase; minus strand). Cytogenetic location: 9q34.11.
Variant type: single nucleotide variant.
Coding change: c.364G>C on transcript NM_014908.4 (MANE Select); coding-DNA position 364, G replaced by C.
Protein change: p.Ala122Pro; replaces alanine 122 with proline.
Molecular consequence: missense variant.
Genome position (GRCh38, 1-based): chr9:128,946,940, C>G on the plus strand (G>C on the coding strand, the complement: DOLK is on the minus strand). VCF-style: chr9-128946940-C-G. GRCh37 (hg19) VCF-style: chr9-131709219-C-G.
Other names: short protein forms A122P.
Identifiers: ClinVar variation 4244189 (VCV004244189.1).

ClinVar aggregate classification (germline): Uncertain significance (1 of 4 stars; one submission).

Conditions:
Cardiovascular phenotype. Identifiers: MedGen CN230736.

Submission:

Ambry Genetics
Classification: Uncertain significance for Cardiovascular phenotype. Last evaluated: 2025-06-28. Review status: criteria provided, single submitter. Criteria: Ambry Variant Classification Scheme 2023. Collection method: clinical testing. Allele origin: germline.
Comment: The p.A122P variant (also known as c.364G>C), located in coding exon 1 of the DOLK gene, results from a G to C substitution at nucleotide position 364. The alanine at codon 122 is replaced by proline, an amino acid with highly similar properties. This amino acid position is conserved. In addition, this alteration is predicted to be deleterious by in silico analysis. Based on the available evidence, the clinical significance of this variant remains unclear.